The following is an entry in ClinVar:

NM_007363.5(NONO):c.634T>C (p.Ser212Pro)

Gene: NONO (non-POU domain containing octamer binding; plus strand). Cytogenetic location: Xq13.1.
Variant type: single nucleotide variant.
Coding change: c.634T>C on transcript NM_007363.5 (MANE Select); coding-DNA position 634, T replaced by C.
Protein change: p.Ser212Pro; replaces serine 212 with proline.
Molecular consequence: missense variant.
Genome position (GRCh38, 1-based): chrX:71,294,512, T>C. VCF-style: chrX-71294512-T-C. GRCh37 (hg19) VCF-style: chrX-70514362-T-C.
Other names: c.634T>C, p.Ser212Pro (NM_001145408.2, NM_001145409.2); c.367T>C, p.Ser123Pro (NM_001145410.2); short protein forms S123P, S212P.
Identifiers: ClinVar variation 3391705 (VCV003391705.1).

ClinVar aggregate classification (germline): Uncertain significance (1 of 4 stars; one submission).

gnomAD v4.1: 1 of 1,207,021 alleles (0.000083%); no homozygotes.

Submission:

GeneDx
Classification: Uncertain significance. Last evaluated: 2024-06-20. Review status: criteria provided, single submitter. Criteria: GeneDx Variant Classification Process June 2021. Collection method: clinical testing. Allele origin: germline. Affected: yes.
Comment: Not observed at significant frequency in large population cohorts (gnomAD); In silico analysis indicates that this missense variant does not alter protein structure/function; Has not been previously published as pathogenic or benign to our knowledge